The following is an entry in ClinVar:

NM_005343.4(HRAS):c.451G>C (p.Gly151Arg)

Genes: LRRC56 (leucine rich repeat containing 56; plus strand), HRAS (HRas proto-oncogene, GTPase; minus strand). Cytogenetic location: 11p15.5.
Variant type: single nucleotide variant.
Coding change: c.451G>C on transcript NM_005343.4 (MANE Select); coding-DNA position 451, G replaced by C.
Protein change: p.Gly151Arg; replaces glycine 151 with arginine.
Molecular consequence: missense variant. On other transcripts: 3 prime UTR variant (1).
Genome position (GRCh38, 1-based): chr11:532,755, C>G on the plus strand (G>C on the coding strand, the complement: HRAS is on the minus strand). VCF-style: chr11-532755-C-G. GRCh37 (hg19) VCF-style: chr11-532755-C-G.
Other names: c.451G>C, p.Gly151Arg (NM_001130442.3); c.214G>C, p.Gly72Arg (NM_001318054.2); c.*20G>C (NM_176795.5); short protein forms G151R, G72R.
Identifiers: ClinVar variation 2156214 (VCV002156214.4), dbSNP rs2539784881, ClinGen allele CA378921265.

ClinVar aggregate classification (germline): Uncertain significance (1 of 4 stars; one submission).

Conditions:
Costello syndrome (CSTLO). Also called: FCS SYNDROME; FACIOCUTANEOSKELETAL SYNDROME; HRAS-Related Costello Syndrome. Identifiers: Orphanet 3071, MedGen C0587248, MONDO:0009026, OMIM 218040.

Submission:

Labcorp Genetics (formerly Invitae), Labcorp
Classification: Uncertain significance for Costello syndrome. Last evaluated: 2022-07-06. Review status: criteria provided, single submitter. Criteria: Invitae Variant Classification Sherloc (09022015). Collection method: clinical testing. Allele origin: germline.
Comment: This sequence change replaces glycine, which is neutral and non-polar, with arginine, which is basic and polar, at codon 151 of the HRAS protein (p.Gly151Arg). This variant is not present in population databases (gnomAD no frequency). This variant has not been reported in the literature in individuals affected with HRAS-related conditions. Algorithms developed to predict the effect of missense changes on protein structure and function (SIFT, PolyPhen-2, Align-GVGD) all suggest that this variant is likely to be disruptive. In summary, the available evidence is currently insufficient to determine the role of this variant in disease. Therefore, it has been classified as a Variant of Uncertain Significance.